The following is an entry in ClinVar:

NM_004168.4(SDHA):c.309A>G (p.Ala103=)

Gene: SDHA (succinate dehydrogenase complex flavoprotein subunit A; plus strand). Cytogenetic location: 5p15.33.
Variant type: single nucleotide variant.
Coding change: c.309A>G on transcript NM_004168.4 (MANE Select); coding-DNA position 309, A replaced by G.
Protein change: p.Ala103=; no amino-acid change (alanine 103 retained).
Molecular consequence: synonymous variant.
Genome position (GRCh38, 1-based): chr5:224,518, A>G. VCF-style: chr5-224518-A-G. GRCh37 (hg19) VCF-style: chr5-224633-A-G.
Other names: p.Ala103=; c.309A>G, p.Ala103= (NM_001294332.2, NM_001330758.2).
Identifiers: ClinVar variation 130280 (VCV000130280.36), dbSNP rs1139424, ClinGen allele CA155154.

ClinVar aggregate classification (germline): Benign. Review status: criteria provided, multiple submitters, no conflicts (2 of 4 stars). 15 submissions from 13 submitters: Benign (14). 1 of the submissions does not count toward it. Last evaluated 2026-02-04.

Conditions:
Pheochromocytoma/paraganglioma syndrome 5. Also called: SDHA-Related Hereditary Paraganglioma-Pheochromocytoma Syndrome; Paragangliomas 5. Identifiers: Orphanet 29072, MedGen C3279992, MONDO:0013602, OMIM 614165.
Hereditary pheochromocytoma and paraganglioma. Also called: Hereditary Paraganglioma-Pheochromocytoma Syndromes; Hereditary paragangliomas and pheochromocytomas; Hereditary pheochromocytoma-paraganglioma. Identifiers: Orphanet 29072, MedGen C4274332, MONDO:0017366.
Leigh syndrome (NULS). Also called: Leigh Disease; Subacute necrotizing encephalopathy; Necrotizing encephalopathy infantile subacute of Leigh; Leigh's necrotizing encephalopathy; Leigh's disease; Leigh Syndrome (mtDNA deletion). Identifiers: Orphanet 506, MedGen C2931891, MONDO:0009723, OMIM 256000.
Mitochondrial complex II deficiency, nuclear type 1. Also called: SUCCINATE CoQ REDUCTASE DEFICIENCY. Identifiers: Orphanet 3208, MedGen C5700310, MONDO:0100294, OMIM 252011.
Hereditary cancer-predisposing syndrome. Also called: Tumor predisposition; Hereditary neoplastic syndrome; Neoplastic Syndromes, Hereditary; Hereditary Cancer Syndrome. Identifiers: Orphanet 140162, MedGen C0027672, MeSH D009386, MONDO:0015356.

Allele frequency attached by ClinVar (database versions not stated): gnomAD exomes 0.12731 and 0.14964; ExAC 0.15290; gnomAD 0.24000 and 0.25161; 1000 Genomes Project 0.24002; ESP Exome Variant Server 0.25785; 1000 Genomes Project 30x 0.26077; TOPMed 0.26705.
gnomAD v4.1: 221,073 of 1,591,882 alleles (14%); highest among the groups gnomAD compares: African/African-American, 52%; 19,019 homozygotes.

Submissions (15):

Labcorp Genetics (formerly Invitae), Labcorp
Classification: Benign for Pheochromocytoma/paraganglioma syndrome 5; Mitochondrial complex II deficiency, nuclear type 1. Last evaluated: 2026-02-04. Review status: criteria provided, single submitter. Criteria: Invitae Variant Classification Sherloc (09022015). Collection method: clinical testing. Allele origin: germline.

Myriad Genetics, Inc.
Classification: Benign for Pheochromocytoma/paraganglioma syndrome 5. Last evaluated: 2025-02-28. Review status: criteria provided, single submitter. Criteria: Myriad Autosomal Dominant, Autosomal Recessive and X-Linked Classification Criteria (2023). Collection method: clinical testing. Allele origin: unknown.
Comment: This variant is considered benign. This variant is a silent/synonymous amino acid change and it is not expected to impact splicing.

Hereditary Cancer Laboratory, Hospital Universitario 12 de Octubre
Classification: Benign for Hereditary cancer-predisposing syndrome. Last evaluated: 2025-01-08. Review status: criteria provided, single submitter. Criteria: ACMG Guidelines, 2015. Collection method: clinical testing. Allele origin: germline.
Comment: BA1+BP65+BP7

Blueprint Genetics
Classification: Benign. Last evaluated: 2024-11-26. Review status: criteria provided, single submitter. Criteria: ACMG Guidelines, 2015. Collection method: clinical testing. Allele origin: germline.

KCCC/NGS Laboratory, Kuwait Cancer Control Center
Classification: Benign for Pheochromocytoma/paraganglioma syndrome 5. Last evaluated: 2023-07-07. Review status: criteria provided, single submitter. Criteria: ACMG Guidelines, 2015. Collection method: clinical testing. Allele origin: germline. Affected: yes.

Mayo Clinic Laboratories, Mayo Clinic
Classification: Benign. Last evaluated: 2022-05-01. Review status: criteria provided, single submitter. Criteria: ACMG Guidelines, 2015. Collection method: clinical testing. Allele origin: germline. Observed: 503 variant alleles.

ARUP Laboratories, Molecular Genetics and Genomics, ARUP Laboratories
Classification: Benign. Last evaluated: 2020-01-03. Review status: criteria provided, single submitter. Criteria: ARUP Molecular Germline Variant Investigation Process. Collection method: clinical testing. Allele origin: germline.

Illumina Laboratory Services, Illumina
Classification: Benign for Leigh syndrome. Last evaluated: 2018-01-12. Review status: criteria provided, single submitter. Criteria: ICSL Variant Classification Criteria 13 December 2019. Collection method: clinical testing. Allele origin: germline.
Comment: This variant was observed in the ICSL laboratory as part of a predisposition screen in an ostensibly healthy population. It had not been previously curated by ICSL or reported in the Human Gene Mutation Database (HGMD: prior to June 1st, 2018), and was therefore a candidate for classification through an automated scoring system. Utilizing variant allele frequency, disease prevalence and penetrance estimates, and inheritance mode, an automated score was calculated to assess if this variant is too frequent to cause the disease. Based on the score and internal cut-off values, a variant classified as benign is not then subjected to further curation. The score for this variant resulted in a classification of benign for this disease.

Illumina Laboratory Services, Illumina
Classification: Benign for Hereditary Paraganglioma-Pheochromocytoma Syndromes. Last evaluated: 2018-01-12. Review status: criteria provided, single submitter. Criteria: ICSL Variant Classification Criteria 13 December 2019. Collection method: clinical testing. Allele origin: germline.
Comment: the same text as in the submission from Illumina Laboratory Services, Illumina above.

Illumina Laboratory Services, Illumina
Classification: Benign for Mitochondrial complex II deficiency, nuclear type 1. Last evaluated: 2018-01-12. Review status: criteria provided, single submitter. Criteria: ICSL Variant Classification Criteria 13 December 2019. Collection method: clinical testing. Allele origin: germline.
Comment: the same text as in the submission from Illumina Laboratory Services, Illumina above.

GeneDx
Classification: Benign. Last evaluated: 2015-03-03. Review status: criteria provided, single submitter. Criteria: GeneDx Variant Classification Process June 2021. Collection method: clinical testing. Allele origin: germline. Affected: yes.

Ambry Genetics
Classification: Benign for Hereditary cancer-predisposing syndrome. Last evaluated: 2014-11-18. Review status: criteria provided, single submitter. Criteria: Ambry Variant Classification Scheme 2023. Collection method: clinical testing. Allele origin: germline.

Breakthrough Genomics
Classification: Benign. Review status: criteria provided, single submitter. Criteria: ACMG Guidelines, 2015. Collection method: not provided. Allele origin: germline. Inheritance: Autosomal recessive inheritance. Affected: yes.

PreventionGenetics, part of Exact Sciences
Classification: Benign. Review status: criteria provided, single submitter. Criteria: ACMG Guidelines, 2015. Collection method: clinical testing. Allele origin: germline.

Genetic Services Laboratory, University of Chicago
Classification: Likely benign for AllHighlyPenetrant. Review status: no assertion criteria provided. Collection method: clinical testing. Allele origin: germline. Not counted in ClinVar's aggregate classification.
Comment: Likely benign based on allele frequency in 1000 Genomes Project or ESP global frequency and its presence in a patient with a rare or unrelated disease phenotype. NOT Sanger confirmed.